The following is an entry in ClinVar:

ClinVar aggregate classification (germline): Benign. Review status: criteria provided, multiple submitters, no conflicts (2 of 4 stars). 4 submissions from 4 submitters: Benign (4). Last evaluated 2026-02-02.

Conditions:
Shprintzen-Goldberg syndrome (SGS). Also called: CRANIOSYNOSTOSIS WITH ARACHNODACTYLY AND ABDOMINAL HERNIAS; Marfanoid disorder with craniosynostosis type 1; Marfanoid craniosynostosis syndrome; Shprintzen-Goldberg marfanoid syndrome; SHPRINTZEN-GOLDBERG CRANIOSYNOSTOSIS SYNDROME. Identifiers: Orphanet 2462, MedGen C1321551, MONDO:0008426, OMIM 182212.

Allele frequency attached by ClinVar (database versions not stated): gnomAD 0.00934 and 0.00885; 1000 Genomes Project 30x 0.01296; 1000 Genomes Project 0.01198; ESP Exome Variant Server 0.01008; TOPMed 0.01085.
gnomAD v4.1: 2,760 of 1,595,882 alleles (0.17%); highest among the groups gnomAD compares: African/African-American, 3.1%; 44 homozygotes.

Submissions (4):

Labcorp Genetics (formerly Invitae), Labcorp
Classification: Benign for Shprintzen-Goldberg syndrome. Last evaluated: 2026-02-02. Review status: criteria provided, single submitter. Criteria: Invitae Variant Classification Sherloc (09022015). Collection method: clinical testing. Allele origin: germline.

Women's Health and Genetics/Laboratory Corporation of America, LabCorp
Classification: Benign. Last evaluated: 2023-07-21. Review status: criteria provided, single submitter. Criteria: LabCorp Variant Classification Summary - May 2015. Collection method: clinical testing. Allele origin: germline.

ARUP Laboratories, Molecular Genetics and Genomics, ARUP Laboratories
Classification: Benign for Shprintzen-Goldberg syndrome. Last evaluated: 2020-06-19. Review status: criteria provided, single submitter. Criteria: ARUP Molecular Germline Variant Investigation Process. Collection method: clinical testing. Allele origin: germline.

GeneDx
Classification: Benign. Last evaluated: 2014-08-08. Review status: criteria provided, single submitter. Criteria: GeneDx Variant Classification (06012015). Collection method: clinical testing. Allele origin: germline. Affected: yes.
Comment: This variant is considered likely benign or benign based on one or more of the following criteria: it is a conservative change, it occurs at a poorly conserved position in the protein, it is predicted to be benign by multiple in silico algorithms, and/or has population frequency not consistent with disease.

NM_003036.4(SKI):c.1211+11G>A

Gene: SKI (SKI proto-oncogene; plus strand). Cytogenetic location: 1p36.32.
Variant type: single nucleotide variant.
Coding change: c.1211+11G>A on transcript NM_003036.4 (MANE Select); 11 bases into the intron after coding-DNA position 1211, G replaced by A.
Molecular consequence: intron variant.
Genome position (GRCh38, 1-based): chr1:2,303,411, G>A. VCF-style: chr1-2303411-G-A. GRCh37 (hg19) VCF-style: chr1-2234850-G-A.
Identifiers: ClinVar variation 213670 (VCV000213670.18), dbSNP rs115186522, ClinGen allele CA321672.
Genomic context (GRCh38, chr1:2,303,411, plus strand): 5'-GCGAGTGAGAAAGAGCTCTCCCCACACCTCCCGGCCCTCATCCGAGACAGGTGAGTGGGC[G>A]CCATTCACAGGTGTTTCTGATCACGGGGGAGGCTCCACGAGGGCTGTGCATGCGGACGCG-3'